The following is an entry in ClinVar:

NM_016373.4(WWOX):c.748T>A (p.Ser250Thr)

Gene: WWOX (WW domain containing oxidoreductase; plus strand). Cytogenetic location: 16q23.1.
Variant type: single nucleotide variant.
Coding change: c.748T>A on transcript NM_016373.4 (MANE Select); coding-DNA position 748, T replaced by A.
Protein change: p.Ser250Thr; replaces serine 250 with threonine.
Molecular consequence: missense variant.
Genome position (GRCh38, 1-based): chr16:78,425,012, T>A. VCF-style: chr16-78425012-T-A. GRCh37 (hg19) VCF-style: chr16-78458909-T-A.
Other names: c.748T>A (NM_016373.2); c.409T>A, p.Ser137Thr (NM_001291997.2); short protein forms S137T, S250T.
Identifiers: ClinVar variation 1425209 (VCV001425209.7), dbSNP rs941156863, ClinGen allele CA284540264.
Genomic context (GRCh38, chr16:78,425,012, plus strand): 5'-CAAGTGAATCATCTGGGGCACTTCTACCTTGTCCAGCTCCTCCAGGATGTTTTGTGCCGC[T>A]CAGCTCCTGCCCGTGTCATTGTGGTCTCCTCAGAGTCCCATCGGTGGGTTTGAATTGCAT-3'
Protein context (NP_057457.1, residues 240-260): VQLLQDVLCR[Ser250Thr]APARVIVVSS

ClinVar aggregate classification (germline): Uncertain significance. Review status: criteria provided, multiple submitters, no conflicts (2 of 4 stars). 3 submissions from 3 submitters: Uncertain significance (3). Last evaluated 2026-04-16.

Conditions:
Autosomal recessive spinocerebellar ataxia 12. Also called: SPINOCEREBELLAR ATAXIA WITH MENTAL RETARDATION AND EPILEPSY. Identifiers: Orphanet 284282, MedGen C3280452, MONDO:0013687, OMIM 614322.
Developmental and epileptic encephalopathy, 1 (DEE1). Also called: Epileptic encephalopathy, early infantile, 1; X-linked infantile spasms; West's syndrome; Tonic spasms with clustering, arrest of psychomotor development and hypsarrhythmia on EEG; X-Linked Infantile Spasm Syndrome; OHTAHARA SYNDROME, X-LINKED. Identifiers: MedGen C3463992, MONDO:0010632, OMIM 308350. Disease mechanism: loss of function.
Inborn genetic diseases. Identifiers: MedGen C0950123, MeSH D030342.

Allele frequency attached by ClinVar (database versions not stated): gnomAD 0.00001 and 0.00002; TOPMed 0.00002; gnomAD exomes 0.00004 and 0.00001.
gnomAD v4.1: 66 of 1,613,980 alleles (0.0041%); highest among the groups gnomAD compares: Non-Finnish European, 0.0051%; no homozygotes.

Submissions (3):

GeneDx
Classification: Uncertain significance. Last evaluated: 2026-04-16. Review status: criteria provided, single submitter. Criteria: GeneDx Variant Classification Process June 2021. Collection method: clinical testing. Allele origin: germline.
Comment: Not observed at significant frequency in large population cohorts (gnomAD); In silico analysis suggests that this missense variant does not alter protein structure/function; Has not been previously published as pathogenic or benign to our knowledge; This variant is associated with the following publications: (PMID: 25411445)

Ambry Genetics
Classification: Uncertain significance for Inborn genetic diseases. Last evaluated: 2024-08-27. Review status: criteria provided, single submitter. Criteria: Ambry Variant Classification Scheme 2023. Collection method: clinical testing. Allele origin: germline.

Labcorp Genetics (formerly Invitae), Labcorp
Classification: Uncertain significance for Developmental and epileptic encephalopathy, 1; Autosomal recessive spinocerebellar ataxia 12. Last evaluated: 2022-08-16. Review status: criteria provided, single submitter. Criteria: Invitae Variant Classification Sherloc (09022015). Collection method: clinical testing. Allele origin: germline.
Comment: This sequence change replaces serine, which is neutral and polar, with threonine, which is neutral and polar, at codon 250 of the WWOX protein (p.Ser250Thr). This variant is present in population databases (no rsID available, gnomAD 0.002%). This variant has not been reported in the literature in individuals affected with WWOX-related conditions. ClinVar contains an entry for this variant (Variation ID: 1425209). Algorithms developed to predict the effect of missense changes on protein structure and function are either unavailable or do not agree on the potential impact of this missense change (SIFT: "Not Available"; PolyPhen-2: "Possibly Damaging"; Align-GVGD: "Not Available"). In summary, the available evidence is currently insufficient to determine the role of this variant in disease. Therefore, it has been classified as a Variant of Uncertain Significance.